The following is an entry in ClinVar:

ClinVar aggregate classification (germline): Pathogenic/Likely pathogenic. Review status: criteria provided, multiple submitters, no conflicts (2 of 4 stars). 2 submissions from 2 submitters: Pathogenic (1); Likely pathogenic (1). Last evaluated 2026-05-20.

Conditions:
ENPP1-related disorder. Also called: ENPP1-related condition; ENPP1-related disorders.
Hypophosphatemic rickets, autosomal recessive, 2 (ARHR2). Identifiers: Orphanet 289176, MedGen C2750078, MONDO:0013219, OMIM 613312.
Arterial calcification, generalized, of infancy, 1 (GACI1). Also called: Idiopathic Infantile Arterial Calcification. Identifiers: Orphanet 51608, MedGen C4551985, MONDO:0008817, OMIM 208000.

Submissions (2):

Genomenon, Inc
Classification: Likely pathogenic for Arterial calcification, generalized, of infancy, 1; Hypophosphatemic rickets, autosomal recessive, 2. Last evaluated: 2026-05-20. Review status: criteria provided, single submitter. Criteria: Genomenon Sequence Variant Interpretation Standards - 2021 07 19. Collection method: research. Allele origin: germline. Affected: yes.

Rady Children's Institute for Genomic Medicine, Rady Children's Hospital San Diego
Classification: Pathogenic for ENPP1-related disorders. Last evaluated: 2024-12-11. Review status: criteria provided, single submitter. Criteria: ACMG Guidelines, 2015. Collection method: clinical testing. Allele origin: germline. Affected: yes.
Comment: This frameshifting variant in exon 1 of 25 is predicted to result in loss of normal protein function through either protein truncation or nonsense-mediated mRNA decay. Loss-of-function variation in ENPP1 is an established mechanism of disease (PMID: 24216977, 20137773). This variant has been previously reported as a homozygous change in individuals with ENPP1-related disorders (PMID: 36150100). The c.26dup (p.Gly10ArgfsTer67) variant is present in the latest version of the gnomAD population database at an allele frequency of 0.002% (4/162950), and is absent in the homozygous state, thus is presumed to be rare. Based on the available evidence, c.26dup (p.Gly10ArgfsTer67) is classified as Pathogenic.

Literature cited by the submitters: PubMed 24216977 (cited by Rady Children's Institute for Genomic Medicine, Rady Children's Hospital San Diego); PubMed 20137773 (cited by Rady Children's Institute for Genomic Medicine, Rady Children's Hospital San Diego); PubMed 36150100 (cited by Rady Children's Institute for Genomic Medicine, Rady Children's Hospital San Diego).

NM_006208.3(ENPP1):c.26dup (p.Gly10fs)

Gene: ENPP1 (ectonucleotide pyrophosphatase/phosphodiesterase 1; plus strand). Cytogenetic location: 6q23.2.
Variant type: Duplication.
Coding change: c.26dup on transcript NM_006208.3 (MANE Select); coding-DNA position 26, one base duplicated (G; older notation c.26dupG).
Protein change: p.Gly10fs; shifts the reading frame from glycine 10.
Molecular consequence: frameshift variant.
Genome position (GRCh38, 1-based): chr6:131,808,061, G duplicated; the last of 6 consecutive G bases (chr6:131,808,056-131,808,061); duplicating any one gives the same sequence. VCF-style (leftmost placement, unchanged base first): chr6-131808055-C-CG. GRCh37 (hg19) VCF-style: chr6-132129195-C-CG.
Other names: c.26dup (NM_006208.2); short protein forms G10fs.
Identifiers: ClinVar variation 1699967 (VCV001699967.3), dbSNP rs1470739291, ClinGen allele CA570508949.